The following is an entry in ClinVar:

NM_001130823.3(DNMT1):c.731G>A (p.Gly244Glu)

Gene: DNMT1 (DNA methyltransferase 1; minus strand). Cytogenetic location: 19p13.2.
Variant type: single nucleotide variant.
Coding change: c.731G>A on transcript NM_001130823.3 (MANE Select); coding-DNA position 731, G replaced by A.
Protein change: p.Gly244Glu; replaces glycine 244 with glutamic acid.
Molecular consequence: missense variant.
Genome position (GRCh38, 1-based): chr19:10,173,127, C>T on the plus strand (G>A on the coding strand, the complement: DNMT1 is on the minus strand). VCF-style: chr19-10173127-C-T. GRCh37 (hg19) VCF-style: chr19-10283803-C-T.
Other names: p.Gly244Glu; c.731G>A (LRG_362t1); c.683G>A, p.Gly228Glu (NM_001318730.2, NM_001379.4); c.368G>A, p.Gly123Glu (NM_001318731.2); short protein forms G244E, G123E, G228E.
Identifiers: ClinVar variation 234309 (VCV000234309.52), dbSNP rs150999369, ClinGen allele CA9188625.

ClinVar aggregate classification (germline): Benign/Likely benign. Review status: criteria provided, multiple submitters, no conflicts (2 of 4 stars). 9 submissions from 9 submitters: Benign (3); Likely benign (6). Last evaluated 2026-04-01.

Conditions:
Inborn genetic diseases. Identifiers: MedGen C0950123, MeSH D030342.
Hereditary sensory neuropathy-deafness-dementia syndrome. Also called: HSN IE; Hereditary sensory neuropathy type IE; Hereditary Sensory and Autonomic Neuropathy Type 1E (HSAN1E); NEUROPATHY, HEREDITARY SENSORY, WITH HEARING LOSS AND DEMENTIA. Identifiers: Orphanet 456318, MedGen C3279885, MONDO:0013584, OMIM 614116.
Autosomal dominant cerebellar ataxia, deafness and narcolepsy. Also called: Autosomal Dominant Cerebellar Ataxia, Deafness, and Narcolepsy (ADCA-DN). Identifiers: Orphanet 314404, MedGen C4302668, MONDO:0011397, OMIM 604121.

Allele frequency attached by ClinVar (database versions not stated): gnomAD exomes 0.00047 and 0.00113; gnomAD 0.00063 and 0.00066; TOPMed 0.00076; ExAC 0.00092; ESP Exome Variant Server 0.00108.
gnomAD v4.1: 860 of 1,613,992 alleles (0.053%); highest among the groups gnomAD compares: Admixed American, 0.15%; 6 homozygotes.

Submissions (9):

CeGaT Center for Human Genetics Tuebingen
Classification: Likely benign. Last evaluated: 2026-04-01. Review status: criteria provided, single submitter. Criteria: CeGaT Center For Human Genetics Tuebingen Variant Classification Criteria Version 2. Collection method: clinical testing. Allele origin: germline. Affected: yes. Observed: 2 variant alleles.
Comment: DNMT1: BP4, BS1

Labcorp Genetics (formerly Invitae), Labcorp
Classification: Likely benign for Hereditary sensory neuropathy-deafness-dementia syndrome. Last evaluated: 2026-02-03. Review status: criteria provided, single submitter. Criteria: Invitae Variant Classification Sherloc (09022015). Collection method: clinical testing. Allele origin: germline.

Mayo Clinic Laboratories, Mayo Clinic
Classification: Likely benign. Last evaluated: 2025-08-02. Review status: criteria provided, single submitter. Criteria: ACMG Guidelines, 2015. Collection method: clinical testing. Allele origin: germline. Observed: 2 variant alleles.
Comment: BA1, BP4_moderate

ARUP Laboratories, Molecular Genetics and Genomics, ARUP Laboratories
Classification: Benign. Last evaluated: 2024-10-09. Review status: criteria provided, single submitter. Criteria: ARUP Molecular Germline Variant Investigation Process 2024. Collection method: clinical testing. Allele origin: germline.

Blueprint Genetics
Classification: Likely benign. Last evaluated: 2024-07-18. Review status: criteria provided, single submitter. Criteria: ACMG Guidelines, 2015. Collection method: clinical testing. Allele origin: germline.

Fulgent Genetics
Classification: Likely benign for Autosomal dominant cerebellar ataxia, deafness and narcolepsy; Hereditary sensory neuropathy-deafness-dementia syndrome. Last evaluated: 2021-12-30. Review status: criteria provided, single submitter. Criteria: ACMG Guidelines, 2015. Collection method: clinical testing. Allele origin: unknown.

Ambry Genetics
Classification: Likely benign for Inborn genetic diseases. Last evaluated: 2019-09-30. Review status: criteria provided, single submitter. Criteria: Ambry Variant Classification Scheme 2023. Collection method: clinical testing. Allele origin: germline.

GeneDx
Classification: Benign. Last evaluated: 2018-06-25. Review status: criteria provided, single submitter. Criteria: GeneDx Variant Classification Process June 2021. Collection method: clinical testing. Allele origin: germline. Affected: yes.

Illumina Laboratory Services, Illumina
Classification: Benign for Hereditary sensory neuropathy-deafness-dementia syndrome. Last evaluated: 2018-01-13. Review status: criteria provided, single submitter. Criteria: ICSL Variant Classification Criteria 13 December 2019. Collection method: clinical testing. Allele origin: germline.
Comment: This variant was observed in the ICSL laboratory as part of a predisposition screen in an ostensibly healthy population. It had not been previously curated by ICSL or reported in the Human Gene Mutation Database (HGMD: prior to June 1st, 2018), and was therefore a candidate for classification through an automated scoring system. Utilizing variant allele frequency, disease prevalence and penetrance estimates, and inheritance mode, an automated score was calculated to assess if this variant is too frequent to cause the disease. Based on the score and internal cut-off values, a variant classified as benign is not then subjected to further curation. The score for this variant resulted in a classification of benign for this disease.